The following is an entry in ClinVar:

NM_000051.4(ATM):c.8671+20T>C

Genes: ATM (ATM serine/threonine kinase; plus strand), C11orf65 (chromosome 11 open reading frame 65; minus strand). Cytogenetic location: 11q22.3.
Variant type: single nucleotide variant.
Coding change: c.8671+20T>C on transcript NM_000051.4 (MANE Select); 20 bases into the intron after coding-DNA position 8671, T replaced by C.
Molecular consequence: intron variant.
Genome position (GRCh38, 1-based): chr11:108,347,385, T>C. VCF-style: chr11-108347385-T-C. GRCh37 (hg19) VCF-style: chr11-108218112-T-C.
Other names: c.8671+20T>C (NM_001351834.2); c.641-38314A>G (NM_001330368.2); c.695-12093A>G (NM_001351110.2).
Identifiers: ClinVar variation 383895 (VCV000383895.9), dbSNP rs1057521774, ClinGen allele CA16606856.

ClinVar aggregate classification (germline): Likely benign. Review status: criteria provided, multiple submitters, no conflicts (2 of 4 stars). 2 submissions from 2 submitters: Likely benign (2). Last evaluated 2026-01-26.

Conditions:
Ataxia-telangiectasia syndrome (AT). Also called: LOUIS-BAR SYNDROME; Cerebello-oculocutaneous telangiectasia; Immunodeficiency with ataxia telangiectasia; Ataxia-telangiectasia, complementation group D; AT, COMPLEMENTATION GROUP C; Ataxia-telangiectasia, complementation group E. Identifiers: Orphanet 100, MedGen C0004135, MONDO:0008840, OMIM 208900.

Allele frequency attached by ClinVar (database versions not stated): gnomAD exomes below 0.00001; TOPMed 0.00001.
gnomAD v4.1: 3 of 1,531,880 alleles (0.0002%); highest among the groups gnomAD compares: African/African-American, 0.0014%; no homozygotes.

Submissions (2):

Labcorp Genetics (formerly Invitae), Labcorp
Classification: Likely benign for Ataxia-telangiectasia syndrome. Last evaluated: 2026-01-26. Review status: criteria provided, single submitter. Criteria: Invitae Variant Classification Sherloc (09022015). Collection method: clinical testing. Allele origin: germline.

GeneDx
Classification: Likely benign. Last evaluated: 2016-02-11. Review status: criteria provided, single submitter. Criteria: GeneDx Variant Classification (06012015). Collection method: clinical testing. Allele origin: germline. Affected: yes.
Comment: This variant is considered likely benign or benign based on one or more of the following criteria: it is a conservative change, it occurs at a poorly conserved position in the protein, it is predicted to be benign by multiple in silico algorithms, and/or has population frequency not consistent with disease.